The following is an entry in ClinVar:

ClinVar aggregate classification (germline): Pathogenic (1 of 4 stars; one submission).

Submission:

Quest Diagnostics Nichols Institute San Juan Capistrano
Classification: Pathogenic. Last evaluated: 2024-11-07. Review status: criteria provided, single submitter. Criteria: ACMG/ClinGen CNV Guidelines, 2019. Collection method: clinical testing. Allele origin: unknown.
Comment: This copy number loss of 1q21.1q21.2 (BP2-BP4, Class II) involves numerous protein coding genes. Genes in this interval are associated with 1q21.1 deletion syndrome (OMIM 612474), which also involves the thrombocytopenia-absent radius syndrome region (TAR syndrome, OMIM 274000). Deletions of the 1q21.1 region have been associated with variety of phenotypic features (Brunetti-Pierri 2008, Cottrell 2020, Mefford 2008, Rosenfeld 2012, Upadhyai 2020, Xie 2017). Many of the reported cases of deletions of this region were inherited from a mildly affected or an unaffected parent, which is suggestive of reduced penetrance (Rosenfeld 2012, Upadhyai 2020). Thus, this copy number variant is classified as pathogenic, with incomplete penetrance and variable expressivity. References: Brunetti-Pierri N et al., Nat Genet. 2008; 40:1466-71, PMID: 1902990 Cottrell et al., Eur J Endocrinol. 2020 Dec;183(6):581-595. PMID: 33055295 Mefford HC et al., N Engl J Med 2008; 359:1685-99, PMID: 18784092 Rosenfeld et al., Eur J Hum Genet. 2012 Jul;20(7):754-61. PMID: 22317977 Upadhyai et al., Clin Dysmorphol. 2020 Jul;29(3):127-131. PMID: 32459673 Xie et al., Birth Defects Res. 2017 Mar 1;109(4):271-295. PMID: 28398664

GRCh37/hg19 1q21.1-21.2(chr1:145768023-147929323)x1

Genes: FMO5 (flavin containing dimethylaniline monoxygenase 5; minus strand), GJA5 (gap junction protein alpha 5; minus strand), ACP6 (acid phosphatase 6, lysophosphatidic; minus strand), BCL9 (BCL9 transcription coactivator; plus strand), CHD1L (chromodomain helicase DNA binding protein 1 like; plus strand) and 6 more. Cytogenetic location: 1q21.1-21.2.
Variant type: copy number loss.
Change: copy number 1 (one copy instead of two) of chr1:145,768,023-147,929,323 (2.16 Mb, GRCh37 coordinates, 1-based), cytogenetic band 1q21.1-21.2.
Identifiers: ClinVar variation 1808730 (VCV001808730.2).